The following is an entry in ClinVar:

NM_152443.3(RDH12):c.448+1G>A

Genes: GPHN (gephyrin; plus strand), RDH12 (retinol dehydrogenase 12; plus strand). Cytogenetic location: 14q24.1.
Variant type: single nucleotide variant.
Coding change: c.448+1G>A on transcript NM_152443.3 (MANE Select); the canonical splice donor site of the intron after coding-DNA position 448, G replaced by A.
Molecular consequence: splice donor variant.
Genome position (GRCh38, 1-based): chr14:67,726,156, G>A. VCF-style: chr14-67726156-G-A. GRCh37 (hg19) VCF-style: chr14-68192873-G-A.
Identifiers: ClinVar variation 977809 (VCV000977809.12), dbSNP rs781331005, ClinGen allele CA390150389.

ClinVar aggregate classification (germline): Pathogenic. Review status: criteria provided, multiple submitters, no conflicts (2 of 4 stars). 6 submissions from 6 submitters: Pathogenic (5). 1 of the submissions does not count toward it. Last evaluated 2025-07-20.

Conditions:
RDH12-related disorder. Also called: RDH12-related disorders; RDH12-related condition.
Leber congenital amaurosis 13 (LCA13). Identifiers: MedGen C2675186, MONDO:0012990, OMIM 612712.
Leber congenital amaurosis (LCA). Also called: Leber's amaurosis. Identifiers: Orphanet 65, MedGen C0339527, MeSH D057130, MONDO:0018998.

gnomAD v4.1: 2 of 1,587,962 alleles (0.00013%); highest among the groups gnomAD compares: Non-Finnish European, 0.000086%; no homozygotes.

Submissions (6):

Natera, Inc.
Classification: Pathogenic for Leber congenital amaurosis. Last evaluated: 2025-07-20. Review status: criteria provided, single submitter. Criteria: Natera Variant Classification Schema (03/2026). Collection method: clinical testing. Allele origin: germline.
Comment: The c.448+1G>A variant in RDH12 is a canonical splice donor site variant predicted to affect pre-mRNA splicing, which may result in an abnormal transcript and altered protein product. This variant is expected to result in nonsense mediated decay, truncation, or a dysfunctional protein product. This variant is rare in the general population with a frequency below the threshold expected for the associated phenotype(s). This variant has been observed in one or more individuals affected with the associated recessive disease, as either homozygous or compound heterozygous with a second variant (PMID: 32790509, 22065924). Given the available evidence, this variant is classified as Pathogenic.

Dasa
Classification: Pathogenic. Last evaluated: 2025-05-27. Review status: criteria provided, single submitter. Criteria: DASA Assertion Criteria. Collection method: clinical testing. Allele origin: germline.
Comment: NM_152443.3(RDH12):c.448+1G>A introduces a premature termination codon predicted to result in loss of normal protein function. Loss-of-function is an established mechanism of disease for this gene. This variant has been observed in affected individuals with related phenotype in a genotype context consistent with recessive disease (PMID: 22065924; PMID: 32790509). This variant has been recurrently observed in individuals with related phenotype (PMID: 22065924; PMID: 32790509). The variant is present at low frequency in population datasets. Based on the available data, this variant is classified as pathogenic.

Blueprint Genetics
Classification: Pathogenic for RDH12-related disorders. Last evaluated: 2024-04-24. Review status: criteria provided, single submitter. Criteria: ACMG Guidelines, 2015. Collection method: clinical testing. Allele origin: germline. Affected: yes. Observed: 2 variant alleles.

Labcorp Genetics (formerly Invitae), Labcorp
Classification: Pathogenic for Leber congenital amaurosis 13. Last evaluated: 2024-02-26. Review status: criteria provided, single submitter. Criteria: Invitae Variant Classification Sherloc (09022015). Collection method: clinical testing. Allele origin: germline.
Comment: This sequence change affects a donor splice site in intron 6 of the RDH12 gene. It is expected to disrupt RNA splicing. Variants that disrupt the donor or acceptor splice site typically lead to a loss of protein function (PMID: 16199547), and loss-of-function variants in RDH12 are known to be pathogenic (PMID: 17964524, 22065924, 32014858, 34001834). This variant is present in population databases (no rsID available, gnomAD 0.007%). Disruption of this splice site has been observed in individual(s) with autosomal recessive inherited retinal dystrophy (PMID: 22065924, 32790509). In at least one individual the data is consistent with being in trans (on the opposite chromosome) from a pathogenic variant. ClinVar contains an entry for this variant (Variation ID: 977809). Algorithms developed to predict the effect of sequence changes on RNA splicing suggest that this variant may disrupt the consensus splice site. For these reasons, this variant has been classified as Pathogenic.

Baylor Genetics
Classification: Pathogenic for Leber congenital amaurosis 13. Last evaluated: 2024-01-26. Review status: criteria provided, single submitter. Criteria: ACMG Guidelines, 2015. Collection method: clinical testing. Allele origin: unknown.

Laboratory of Genetics in Ophthalmology, Institut Imagine
Classification: Pathogenic for Leber congenital amaurosis 13. Review status: no assertion criteria provided. Collection method: research. Allele origin: inherited. Affected: yes. Observed: 1 variant allele. Not counted in ClinVar's aggregate classification.

Literature cited by the submitters: PubMed 32790509 (cited by 3 submitters); PubMed 22065924 (cited by 4 submitters); PubMed 16199547 (cited by Labcorp Genetics (formerly Invitae), Labcorp); PubMed 17964524 (cited by Labcorp Genetics (formerly Invitae), Labcorp); PubMed 32014858 (cited by Labcorp Genetics (formerly Invitae), Labcorp); PubMed 34001834 (cited by Labcorp Genetics (formerly Invitae), Labcorp).